The following is an entry in ClinVar:

NM_001365536.1(SCN9A):c.3123T>A (p.His1041Gln)

Genes: SCN9A (sodium voltage-gated channel alpha subunit 9; minus strand), SCN1A-AS1 (SCN1A and SCN9A antisense RNA 1; plus strand). Cytogenetic location: 2q24.3.
Variant type: single nucleotide variant.
Coding change: c.3123T>A on transcript NM_001365536.1 (MANE Select); coding-DNA position 3123, T replaced by A.
Protein change: p.His1041Gln; replaces histidine 1041 with glutamine.
Molecular consequence: missense variant.
Genome position (GRCh38, 1-based): chr2:166,272,627, A>T on the plus strand (T>A on the coding strand, the complement: SCN9A is on the minus strand). VCF-style: chr2-166272627-A-T. GRCh37 (hg19) VCF-style: chr2-167129137-A-T.
Other names: p.His1030Gln; c.3090T>A, p.His1030Gln (NM_002977.4); short protein forms H1030Q, H1041Q.
Identifiers: ClinVar variation 579570 (VCV000579570.14), dbSNP rs1478449852, ClinGen allele CA349073771.

ClinVar aggregate classification (germline): Uncertain significance. Review status: criteria provided, multiple submitters, no conflicts (2 of 4 stars). 3 submissions from 3 submitters: Uncertain significance (3). Last evaluated 2025-10-13.

Conditions:
Neuropathy, hereditary sensory and autonomic, type 2A (HSAN2A). Also called: ACROOSTEOLYSIS, GIACCAI TYPE; ACROOSTEOLYSIS, NEUROGENIC; MORVAN DISEASE; NEUROPATHY, CONGENITAL SENSORY; NEUROPATHY, HEREDITARY SENSORY RADICULAR, AUTOSOMAL RECESSIVE; NEUROPATHY, HEREDITARY SENSORY, TYPE IIA. Identifiers: Orphanet 970, MedGen C2752089, MONDO:0024309, OMIM 201300.
Generalized epilepsy with febrile seizures plus, type 7 (GEFSP7). Also called: GEFS+, TYPE 7. Identifiers: Orphanet 36387, MedGen C2751778, MONDO:0013470, OMIM 613863.
Inborn genetic diseases. Identifiers: MedGen C0950123, MeSH D030342.

Allele frequency attached by ClinVar (database versions not stated): gnomAD exomes below 0.00001; gnomAD 0.00001.
gnomAD v4.1: 8 of 1,613,152 alleles (0.0005%); highest among the groups gnomAD compares: Non-Finnish European, 0.00068%; no homozygotes.

Submissions (3):

Labcorp Genetics (formerly Invitae), Labcorp
Classification: Uncertain significance for Neuropathy, hereditary sensory and autonomic, type 2A; Generalized epilepsy with febrile seizures plus, type 7. Last evaluated: 2025-10-13. Review status: criteria provided, single submitter. Criteria: Invitae Variant Classification Sherloc (09022015). Collection method: clinical testing. Allele origin: germline.
Comment: This sequence change replaces histidine, which is basic and polar, with glutamine, which is neutral and polar, at codon 1030 of the SCN9A protein (p.His1030Gln). This variant is present in population databases (no rsID available, gnomAD 0.0009%). This variant has not been reported in the literature in individuals affected with SCN9A-related conditions. ClinVar contains an entry for this variant (Variation ID: 579570). Invitae Evidence Modeling of protein sequence and biophysical properties (such as structural, functional, and spatial information, amino acid conservation, physicochemical variation, residue mobility, and thermodynamic stability) indicates that this missense variant is not expected to disrupt SCN9A protein function with a negative predictive value of 95%. In summary, the available evidence is currently insufficient to determine the role of this variant in disease. Therefore, it has been classified as a Variant of Uncertain Significance.

Mayo Clinic Laboratories, Mayo Clinic
Classification: Uncertain significance. Last evaluated: 2025-08-07. Review status: criteria provided, single submitter. Criteria: ACMG Guidelines, 2015. Collection method: clinical testing. Allele origin: germline. Observed: 2 variant alleles.
Comment: BP4

Ambry Genetics
Classification: Uncertain significance for Inborn genetic diseases. Last evaluated: 2023-04-11. Review status: criteria provided, single submitter. Criteria: Ambry Variant Classification Scheme 2023. Collection method: clinical testing. Allele origin: germline.